The following is an entry in ClinVar:

ClinVar aggregate classification (germline): Uncertain significance. Review status: criteria provided, multiple submitters, no conflicts (2 of 4 stars). 2 submissions from 2 submitters: Uncertain significance (2). Last evaluated 2025-02-23.

Conditions:
Inborn genetic diseases. Identifiers: MedGen C0950123, MeSH D030342.

Allele frequency attached by ClinVar (database versions not stated): ExAC 0.00002; gnomAD 0.00003; TOPMed 0.00005.
gnomAD v4.1: 5 of 1,613,906 alleles (0.00031%); highest among the groups gnomAD compares: African/African-American, 0.0067%; no homozygotes.

Submissions (2):

Ambry Genetics
Classification: Uncertain significance for Inborn genetic diseases. Last evaluated: 2025-02-23. Review status: criteria provided, single submitter. Criteria: Ambry Variant Classification Scheme 2023. Collection method: clinical testing. Allele origin: germline.
Comment: The p.N707H variant (also known as c.2119A>C), located in coding exon 20 of the ANKRD26 gene, results from an A to C substitution at nucleotide position 2119. The asparagine at codon 707 is replaced by histidine, an amino acid with similar properties. This amino acid position is conserved. In addition, this alteration is predicted to be tolerated by in silico analysis. Based on the available evidence, the clinical significance of this variant remains unclear.

Labcorp Genetics (formerly Invitae), Labcorp
Classification: Uncertain significance. Last evaluated: 2022-12-31. Review status: criteria provided, single submitter. Criteria: Invitae Variant Classification Sherloc (09022015). Collection method: clinical testing. Allele origin: germline.
Comment: In summary, the available evidence is currently insufficient to determine the role of this variant in disease. Therefore, it has been classified as a Variant of Uncertain Significance. Algorithms developed to predict the effect of missense changes on protein structure and function are either unavailable or do not agree on the potential impact of this missense change (SIFT: "Deleterious"; PolyPhen-2: "Possibly Damaging"; Align-GVGD: "Class C0"). This variant has not been reported in the literature in individuals affected with ANKRD26-related conditions. This variant is present in population databases (rs745516025, gnomAD 0.03%). This sequence change replaces asparagine, which is neutral and polar, with histidine, which is basic and polar, at codon 707 of the ANKRD26 protein (p.Asn707His).

NM_014915.3(ANKRD26):c.2119A>C (p.Asn707His)

Gene: ANKRD26 (ankyrin repeat domain 26; minus strand). Cytogenetic location: 10p12.1.
Variant type: single nucleotide variant.
Coding change: c.2119A>C on transcript NM_014915.3 (MANE Select); coding-DNA position 2119, A replaced by C.
Protein change: p.Asn707His; replaces asparagine 707 with histidine.
Molecular consequence: missense variant.
Genome position (GRCh38, 1-based): chr10:27,043,468, T>G on the plus strand (A>C on the coding strand, the complement: ANKRD26 is on the minus strand). VCF-style: chr10-27043468-T-G. GRCh37 (hg19) VCF-style: chr10-27332397-T-G.
Other names: c.2116A>C, p.Asn706His (NM_001256053.2); short protein forms N706H, N707H.
Identifiers: ClinVar variation 2984193 (VCV002984193.4), dbSNP rs745516025, ClinGen allele CA5448298.
Genomic context (GRCh38, chr10:27,043,468, plus strand): 5'-TTTATGCAATGGTCCTACCTTTACACTCCATTCCAAGTTGTTCAATGAGCAACATAAAAT[T>G]CTTGTAACTAGAGTGGGGTAGCTCACAATCCTCTGAGGCTGTTTCAGATGACTGAGTTAA-3'
Protein context (NP_055730.2, residues 697-717): DCELPHSSYK[Asn707His]FMLLIEQLGM